The following is an entry in ClinVar:

ClinVar aggregate classification (germline): Uncertain significance (1 of 4 stars; one submission).

Submission:

GeneDx
Classification: Uncertain significance. Last evaluated: 2019-04-15. Review status: criteria provided, single submitter. Criteria: GeneDx Variant Classification Process June 2021. Collection method: clinical testing. Allele origin: germline. Affected: yes.
Comment: Not observed in large population cohorts (Lek et al., 2016); This variant is associated with the following publications: (PMID: 12760743)

NM_006579.3(EBP):c.361A>G (p.Met121Val)

Gene: EBP (EBP cholestenol delta-isomerase; plus strand). Cytogenetic location: Xp11.23.
Variant type: single nucleotide variant.
Coding change: c.361A>G on transcript NM_006579.3 (MANE Select); coding-DNA position 361, A replaced by G.
Protein change: p.Met121Val; replaces methionine 121 with valine.
Molecular consequence: missense variant.
Genome position (GRCh38, 1-based): chrX:48,527,177, A>G. VCF-style: chrX-48527177-A-G. GRCh37 (hg19) VCF-style: chrX-48385565-A-G.
Other names: short protein forms M121V.
Identifiers: ClinVar variation 1302551 (VCV001302551.2), dbSNP rs2147156475, ClinGen allele CA412852331.